The following is an entry in ClinVar:

ClinVar aggregate classification (germline): Uncertain significance (1 of 4 stars; one submission).

Submission:

Ambry Genetics
Classification: Uncertain significance. Last evaluated: 2025-06-02. Review status: criteria provided, single submitter. Criteria: Ambry Variant Classification Scheme 2023. Collection method: clinical testing. Allele origin: germline.
Comment: The p.K546E variant (also known as c.1636A>G), located in coding exon 10 of the GALNT12 gene, results from an A to G substitution at nucleotide position 1636. The lysine at codon 546 is replaced by glutamic acid, an amino acid with similar properties. This amino acid position is conserved. In addition, the in silico prediction for this alteration is inconclusive. Based on the available evidence, the clinical significance of this variant remains unclear.

NM_024642.5(GALNT12):c.1636A>G (p.Lys546Glu)

Gene: GALNT12 (polypeptide N-acetylgalactosaminyltransferase 12; plus strand). Cytogenetic location: 9q22.33.
Variant type: single nucleotide variant.
Coding change: c.1636A>G on transcript NM_024642.5 (MANE Select); coding-DNA position 1636, A replaced by G.
Protein change: p.Lys546Glu; replaces lysine 546 with glutamic acid.
Molecular consequence: missense variant.
Genome position (GRCh38, 1-based): chr9:98,848,982, A>G. VCF-style: chr9-98848982-A-G. GRCh37 (hg19) VCF-style: chr9-101611264-A-G.
Other names: short protein forms K546E.
Identifiers: ClinVar variation 4027982 (VCV004027982.1).